The following is an entry in ClinVar:

NM_000059.4(BRCA2):c.793+1G>C

Gene: BRCA2 (BRCA2 DNA repair associated; plus strand). Cytogenetic location: 13q13.1.
Variant type: single nucleotide variant.
Coding change: c.793+1G>C on transcript NM_000059.4 (MANE Select); the canonical splice donor site of the intron after coding-DNA position 793, G replaced by C.
Molecular consequence: splice donor variant.
Genome position (GRCh38, 1-based): chr13:32,331,031, G>C. VCF-style: chr13-32331031-G-C. GRCh37 (hg19) VCF-style: chr13-32905168-G-C.
Other names: c.793+1G>C (NM_001406720.1, NM_001406719.1, NM_001406721.1); c.424+1G>C (NM_001406722.1).
Identifiers: ClinVar variation 479383 (VCV000479383.21), dbSNP rs81002846, ClinGen allele CA387760275.

ClinVar aggregate classification (germline): Pathogenic/Likely pathogenic. Review status: criteria provided, multiple submitters, no conflicts (2 of 4 stars). 4 submissions from 4 submitters: Pathogenic (2); Likely pathogenic (1). 1 of the submissions does not count toward it. Last evaluated 2025-11-03.

Conditions:
Hereditary breast ovarian cancer syndrome. Also called: BRCA1- and BRCA2-Associated Hereditary Breast and Ovarian Cancer; Hereditary breast and ovarian cancer; Breast and ovarian cancer; Hereditary breast and/or ovarian cancer syndrome; Hereditary breast and ovarian cancer syndrome; Hereditary breast and ovarian cancer syndrome (HBOC). Identifiers: Orphanet 145, MedGen C0677776, MeSH D061325, MONDO:0003582. Disease mechanism: loss of function.
Hereditary cancer-predisposing syndrome. Also called: Neoplastic Syndromes, Hereditary; Tumor predisposition; Hereditary Cancer Syndrome; Hereditary neoplastic syndrome. Identifiers: Orphanet 140162, MedGen C0027672, MeSH D009386, MONDO:0015356.
Breast-ovarian cancer, familial, susceptibility to, 2 (BROVCA2). Also called: BRCA2 Hereditary Breast and Ovarian Cancer. Identifiers: Orphanet 145, MedGen C2675520, MONDO:0012933, OMIM 612555. Disease mechanism: loss of function.
Familial cancer of breast. Also called: BREAST CANCER, FAMILIAL; hereditary breast carcinoma; Hereditary breast cancer. Identifiers: Orphanet 227535, MedGen C0346153, MONDO:0016419, OMIM 114480. Disease mechanism: loss of function.
Fanconi anemia complementation group D1. Also called: BRCA2-Related Fanconi Anemia. Identifiers: Orphanet 319462, MedGen C1838457, MONDO:0011584, OMIM 605724.
Medulloblastoma (MDB). Also called: Medulloblastoma, somatic; MEDULLOBLASTOMA PREDISPOSITION SYNDROME. Identifiers: Orphanet 616, MedGen C0025149, MeSH D008527, MONDO:0007959, OMIM 155255, HP:0002885.
Wilms tumor 1 (WT1). Also called: Wilms tumor, somatic. Identifiers: Orphanet 654, MedGen CN033288, MONDO:0008679, OMIM 194070.
Pancreatic cancer, susceptibility to, 2. Identifiers: Orphanet 1333, MedGen C3150546, MONDO:0013235, OMIM 613347.
Glioma susceptibility 3 (GLM3). Also called: Glioblastoma 3. Identifiers: Orphanet 182067, Orphanet 360, MedGen C2751641, MONDO:0013093, OMIM 613029.
Familial prostate cancer. Also called: Hereditary Prostate Cancer. Identifiers: MedGen C2931456, MONDO:0700275, OMIM 176807.

Submissions (4):

Labcorp Genetics (formerly Invitae), Labcorp
Classification: Pathogenic for Hereditary breast ovarian cancer syndrome. Last evaluated: 2025-11-03. Review status: criteria provided, single submitter. Criteria: Invitae Variant Classification Sherloc (09022015). Collection method: clinical testing. Allele origin: germline.
Comment: This sequence change affects a donor splice site in intron 9 of the BRCA2 gene. RNA analysis indicates that disruption of this splice site induces altered splicing and may result in an absent or altered protein product. This variant is not present in population databases (gnomAD no frequency). This variant has not been reported in the literature in individuals affected with BRCA2-related conditions. ClinVar contains an entry for this variant (Variation ID: 479383). Studies have shown that disruption of this splice site alters mRNA splicing and is expected to lead to the loss of protein expression (PMID: 30883759; internal data). For these reasons, this variant has been classified as Pathogenic.

Ambry Genetics
Classification: Likely pathogenic for Hereditary cancer-predisposing syndrome. Last evaluated: 2024-12-26. Review status: criteria provided, single submitter. Criteria: Ambry Variant Classification Scheme 2023. Collection method: clinical testing. Allele origin: germline.
Comment: The c.793+1G>C intronic variant results from a G to C substitution one nucleotide after coding exon 8 of the BRCA2 gene. Alterations that disrupt the canonical splice site are expected to cause aberrant splicing, resulting in an abnormal protein or a transcript that is subject to nonsense-mediated mRNA decay. This alteration has been reported in the literature in individuals affected with breast cancer (Jian W et al. Hered Cancer Clin Pract, 2017 Oct;15:19). This nucleotide position is highly conserved in available vertebrate species. In silico splice site analysis predicts that this alteration will weaken the native splice donor site, however, direct evidence is insufficient at this time (Ambry internal data). Based on the majority of available evidence to date, this variant is likely to be pathogenic.

Department of Pathology and Laboratory Medicine, Sinai Health System
Classification: Pathogenic for Familial cancer of breast; Medulloblastoma; Familial prostate cancer; Wilms tumor 1; Fanconi anemia complementation group D1; Breast-ovarian cancer, familial, susceptibility to, 2; Glioma susceptibility 3; Pancreatic cancer, susceptibility to, 2. Last evaluated: 2020-11-30. Review status: criteria provided, single submitter. Criteria: ACMG Guidelines, 2015. Collection method: clinical testing. Allele origin: germline. Affected: no.

Counsyl
Classification: Likely pathogenic for Breast-ovarian cancer, familial, susceptibility to, 2. Last evaluated: 2016-11-23. Review status: no assertion criteria provided. Collection method: clinical testing. Allele origin: unknown. Not counted in ClinVar's aggregate classification.

Literature cited by the submitters: PubMed 30883759 (cited by Labcorp Genetics (formerly Invitae), Labcorp); PubMed 29093764 (cited by Ambry Genetics).